The following is an entry in ClinVar:

ClinVar aggregate classification (germline): Uncertain significance (1 of 4 stars; one submission).

gnomAD v4.1: 8 of 1,591,470 alleles (0.0005%); highest among the groups gnomAD compares: South Asian, 0.0081%; no homozygotes.

Submission:

Women's Health and Genetics/Laboratory Corporation of America, LabCorp
Classification: Uncertain significance. Last evaluated: 2024-10-16. Review status: criteria provided, single submitter. Criteria: LabCorp Variant Classification Summary - May 2015. Collection method: clinical testing. Allele origin: germline.
Comment: Variant summary: MYO7A c.6081C>A (p.His2027Gln) results in a non-conservative amino acid change located in the FERM domain of the encoded protein sequence. Five of five in-silico tools predict a damaging effect of the variant on protein function. The variant allele was found at a frequency of 1.4e-05 in 212300 control chromosomes. The available data on variant occurrences in the general population are insufficient to allow any conclusion about variant significance. To our knowledge, no occurrence of c.6081C>A in individuals affected with Usher Syndrome and no experimental evidence demonstrating its impact on protein function have been reported. No submitters have cited clinical-significance assessments for this variant to ClinVar. Based on the evidence outlined above, the variant was classified as uncertain significance.

NM_000260.4(MYO7A):c.6081C>A (p.His2027Gln)

Gene: MYO7A (myosin VIIA; plus strand). Cytogenetic location: 11q13.5.
Variant type: single nucleotide variant.
Coding change: c.6081C>A on transcript NM_000260.4 (MANE Select); coding-DNA position 6081, C replaced by A.
Protein change: p.His2027Gln; replaces histidine 2027 with glutamine.
Molecular consequence: missense variant.
Genome position (GRCh38, 1-based): chr11:77,211,181, C>A. VCF-style: chr11-77211181-C-A. GRCh37 (hg19) VCF-style: chr11-76922226-C-A.
Other names: c.5967C>A, p.His1989Gln (NM_001127180.2); c.5934C>A, p.His1978Gln (NM_001369365.1); short protein forms H1978Q, H1989Q, H2027Q.
Identifiers: ClinVar variation 3385287 (VCV003385287.1).